The following is an entry in ClinVar:

NM_147127.5(EVC2):c.1303C>T (p.Gln435Ter)

Genes: EVC2 (EvC ciliary complex subunit 2; minus strand), LOC126806961 (BRD4-independent group 4 enhancer GRCh37_chr4:5641443-5642642; plus strand). Cytogenetic location: 4p16.2.
Variant type: single nucleotide variant.
Coding change: c.1303C>T on transcript NM_147127.5 (MANE Select); coding-DNA position 1303, C replaced by T.
Protein change: p.Gln435Ter; replaces glutamine 435 with a stop codon.
Molecular consequence: nonsense.
Genome position (GRCh38, 1-based): chr4:5,640,681, G>A on the plus strand (C>T on the coding strand, the complement: EVC2 is on the minus strand). VCF-style: chr4-5640681-G-A. GRCh37 (hg19) VCF-style: chr4-5642408-G-A.
Other names: c.1063C>T, p.Gln355Ter (NM_001166136.2); short protein forms Q355*, Q435*.
Identifiers: ClinVar variation 1456682 (VCV001456682.7), dbSNP rs1369020144, ClinGen allele CA356151793.

ClinVar aggregate classification (germline): Pathogenic (1 of 4 stars; one submission).

Conditions:
Ellis-van Creveld syndrome (EVC). Also called: EVC-Related Ellis-van Creveld Syndrome; EVC2-Related Ellis-van Creveld Syndrome; MESOECTODERMAL DYSPLASIA; Chondroectodermal dysplasia. Identifiers: Orphanet 289, MedGen C0013903, MONDO:0009162, OMIM 225500.
Curry-Hall syndrome (WAD). Also called: WEYERS ACRODENTAL DYSOSTOSIS. Identifiers: Orphanet 952, MedGen C0457013, MONDO:0008673, OMIM 193530.

Allele frequency attached by ClinVar (database versions not stated): TOPMed below 0.00001; gnomAD 0.00001.
gnomAD v4.1: 1 of 1,613,958 alleles (0.000062%); highest among the groups gnomAD compares: Non-Finnish European, 0.000085%; no homozygotes.

Submission:

Labcorp Genetics (formerly Invitae), Labcorp
Classification: Pathogenic for Curry-Hall syndrome; Ellis-van Creveld syndrome. Last evaluated: 2021-01-28. Review status: criteria provided, single submitter. Criteria: Invitae Variant Classification Sherloc (09022015). Collection method: clinical testing. Allele origin: germline.
Comment: For these reasons, this variant has been classified as Pathogenic. This variant has not been reported in the literature in individuals with EVC2-related conditions. This variant is not present in population databases (ExAC no frequency). This sequence change creates a premature translational stop signal (p.Gln435*) in the EVC2 gene. It is expected to result in an absent or disrupted protein product. Loss-of-function variants in EVC2 are known to be pathogenic (PMID: 17024374, 19810119, 19876929).

Literature cited by the submitters: PubMed 17024374; PubMed 19810119; PubMed 19876929.